The following is an entry in ClinVar:

ClinVar aggregate classification (germline): Likely benign (1 of 4 stars; one submission).

Submission:

GeneDx
Classification: Likely benign. Last evaluated: 2017-11-22. Review status: criteria provided, single submitter. Criteria: GeneDx Variant Classification (06012015). Collection method: clinical testing. Allele origin: germline. Affected: yes.
Comment: This variant is considered likely benign or benign based on one or more of the following criteria: it is a conservative change, it occurs at a poorly conserved position in the protein, it is predicted to be benign by multiple in silico algorithms, and/or has population frequency not consistent with disease.

NM_024675.4(PALB2):c.108+8dup

Gene: PALB2 (partner and localizer of BRCA2; minus strand). Cytogenetic location: 16p12.2.
Variant type: Duplication.
Coding change: c.108+8dup on transcript NM_024675.4 (MANE Select); 8 bases into the intron after coding-DNA position 108, one base duplicated (A; older notation c.108+8dupA).
Molecular consequence: intron variant.
Genome position (GRCh38, 1-based): chr16:23,638,061, T duplicated on the plus strand (A on the coding strand, the reverse complement: PALB2 is on the minus strand); the first of 2 consecutive T bases (chr16:23,638,061-23,638,062); duplicating either gives the same sequence. VCF-style (leftmost placement, unchanged base first): chr16-23638060-A-AT. GRCh37 (hg19) VCF-style: chr16-23649381-A-AT.
Other names: c.108+9dupA (NM_024675.3).
Identifiers: ClinVar variation 513737 (VCV000513737.1), dbSNP rs1555462099, ClinGen allele CA658798569.
Genomic context (GRCh38, chr16:23,638,060, plus strand): 5'-TATAGAGTCAAGAACTGTTTTTAAATTGTTTGTACTATAACACCTTAATTTGAGAATACG[A>AT]TTCACTTACCTGAAGGCGGGCTAGTGTCTTGCTGTATTCCCTTTTCAAGAATGCTAATTT-3'